The following is an entry in ClinVar:

NM_000278.5(PAX2):c.92G>A (p.Arg31Gln)

Gene: PAX2 (paired box 2; plus strand). Cytogenetic location: 10q24.31.
Variant type: single nucleotide variant.
Coding change: c.92G>A on transcript NM_000278.5 (MANE Select); coding-DNA position 92, G replaced by A.
Protein change: p.Arg31Gln; replaces arginine 31 with glutamine.
Molecular consequence: missense variant.
Genome position (GRCh38, 1-based): chr10:100,749,794, G>A. VCF-style: chr10-100749794-G-A. GRCh37 (hg19) VCF-style: chr10-102509551-G-A.
Other names: c.185G>A, p.Arg62Gln (NM_001304569.2); c.92G>A, p.Arg31Gln (NM_003987.5, NM_003988.5, NM_003989.5 and 1 more transcripts); short protein forms R62Q, R31Q.
Identifiers: ClinVar variation 2110963 (VCV002110963.4), dbSNP rs2492892819, ClinGen allele CA378257511.
Genomic context (GRCh38, chr10:100,749,794, plus strand): 5'-GTCTCTCCCCAGCAGGGCACGGGGGTGTGAACCAGCTCGGGGGGGTGTTTGTGAACGGCC[G>A]GCCCCTACCCGACGTGGTGAGGCAGCGCATCGTGGAGCTGGCCCACCAGGGTGTGCGGCC-3'
Protein context (NP_000269.3, residues 21-41): NQLGGVFVNG[Arg31Gln]PLPDVVRQRI

ClinVar aggregate classification (germline): Uncertain significance (1 of 4 stars; one submission).

Conditions:
Renal coloboma syndrome (PAPRS). Also called: PAPILLORENAL SYNDROME; COLOBOMA OF OPTIC NERVE WITH RENAL DISEASE; OPTIC COLOBOMA, VESICOURETERAL REFLUX, AND RENAL ANOMALIES; OPTIC NERVE COLOBOMA WITH RENAL DISEASE; RENAL-COLOBOMA SYNDROME WITH MACULAR ABNORMALITIES; CONGENITAL ANOMALIES OF THE KIDNEY AND URINARY TRACT WITH OR WITHOUT OCULAR ABNORMALITIES. Identifiers: Orphanet 1475, MedGen C1852759, MONDO:0007352, OMIM 120330.
Focal segmental glomerulosclerosis 7 (FSGS7). Identifiers: Orphanet 656, MedGen C4014925, MONDO:0014451, OMIM 616002.

Submission:

Labcorp Genetics (formerly Invitae), Labcorp
Classification: Uncertain significance for Renal coloboma syndrome; Focal segmental glomerulosclerosis 7. Last evaluated: 2022-08-08. Review status: criteria provided, single submitter. Criteria: Invitae Variant Classification Sherloc (09022015). Collection method: clinical testing. Allele origin: germline.
Comment: This sequence change replaces arginine, which is basic and polar, with glutamine, which is neutral and polar, at codon 31 of the PAX2 protein (p.Arg31Gln). This variant is not present in population databases (gnomAD no frequency). In summary, the available evidence is currently insufficient to determine the role of this variant in disease. Therefore, it has been classified as a Variant of Uncertain Significance. Experimental studies and prediction algorithms are not available or were not evaluated, and the functional significance of this variant is currently unknown. This variant has not been reported in the literature in individuals affected with PAX2-related conditions.